The following is an entry in ClinVar:

ClinVar aggregate classification (germline): Uncertain significance (1 of 4 stars; one submission).

Allele frequency attached by ClinVar (database versions not stated): TOPMed below 0.00001; gnomAD 0.00001; gnomAD exomes 0.00001.

Submission:

Labcorp Genetics (formerly Invitae), Labcorp
Classification: Uncertain significance. Last evaluated: 2022-05-21. Review status: criteria provided, single submitter. Criteria: Invitae Variant Classification Sherloc (09022015). Collection method: clinical testing. Allele origin: germline.
Comment: Advanced modeling of protein sequence and biophysical properties (such as structural, functional, and spatial information, amino acid conservation, physicochemical variation, residue mobility, and thermodynamic stability) performed at Invitae indicates that this missense variant is not expected to disrupt GRIN2D protein function. This variant has not been reported in the literature in individuals affected with GRIN2D-related conditions. This variant is not present in population databases (gnomAD no frequency). This sequence change replaces proline, which is neutral and non-polar, with histidine, which is basic and polar, at codon 1267 of the GRIN2D protein (p.Pro1267His). In summary, the available evidence is currently insufficient to determine the role of this variant in disease. Therefore, it has been classified as a Variant of Uncertain Significance.

NM_000836.4(GRIN2D):c.3800C>A (p.Pro1267His)

Gene: GRIN2D (glutamate ionotropic receptor NMDA type subunit 2D; plus strand). Cytogenetic location: 19q13.33.
Variant type: single nucleotide variant.
Coding change: c.3800C>A on transcript NM_000836.4 (MANE Select); coding-DNA position 3800, C replaced by A.
Protein change: p.Pro1267His; replaces proline 1267 with histidine.
Molecular consequence: missense variant.
Genome position (GRCh38, 1-based): chr19:48,443,726, C>A. VCF-style: chr19-48443726-C-A. GRCh37 (hg19) VCF-style: chr19-48946983-C-A.
Other names: short protein forms P1267H.
Identifiers: ClinVar variation 2048006 (VCV002048006.4), dbSNP rs1235670504, ClinGen allele CA406678303.